The following is an entry in ClinVar:

ClinVar aggregate classification (germline): Conflicting classifications of pathogenicity. Review status: criteria provided, conflicting classifications (1 of 4 stars). 4 submissions from 4 submitters: Uncertain significance (1); Benign (1); Likely benign (1). 1 of the submissions does not count toward it. Last evaluated 2025-10-21.

Conditions:
Emery-Dreifuss muscular dystrophy 5, autosomal dominant (EDMD5). Also called: EMERY-DREIFUSS MUSCULAR DYSTROPHY 5. Identifiers: Orphanet 261, MedGen C2751805, MONDO:0013072, OMIM 612999.
SYNE2-related disorder. Also called: SYNE2-related condition.

Allele frequency attached by ClinVar (database versions not stated): gnomAD 0.00001 and 0.00005; TOPMed 0.00007; ExAC 0.00014; gnomAD exomes 0.00014 and 0.00016.
gnomAD v4.1: 244 of 1,614,092 alleles (0.015%); highest among the groups gnomAD compares: East Asian, 0.19%; 4 homozygotes.

Submissions (4):

Labcorp Genetics (formerly Invitae), Labcorp
Classification: Likely benign for Emery-Dreifuss muscular dystrophy 5, autosomal dominant. Last evaluated: 2025-10-21. Review status: criteria provided, single submitter. Criteria: Invitae Variant Classification Sherloc (09022015). Collection method: clinical testing. Allele origin: germline.

Ambry Genetics
Classification: Uncertain significance. Last evaluated: 2024-12-31. Review status: criteria provided, single submitter. Criteria: Ambry Variant Classification Scheme 2023. Collection method: clinical testing. Allele origin: germline.

Illumina Laboratory Services, Illumina
Classification: Benign for Emery-Dreifuss muscular dystrophy 5, autosomal dominant. Last evaluated: 2018-01-12. Review status: criteria provided, single submitter. Criteria: ICSL Variant Classification Criteria 13 December 2019. Collection method: clinical testing. Allele origin: germline.
Comment: This variant was observed in the ICSL laboratory as part of a predisposition screen in an ostensibly healthy population. It had not been previously curated by ICSL or reported in the Human Gene Mutation Database (HGMD: prior to June 1st, 2018), and was therefore a candidate for classification through an automated scoring system. Utilizing variant allele frequency, disease prevalence and penetrance estimates, and inheritance mode, an automated score was calculated to assess if this variant is too frequent to cause the disease. Based on the score and internal cut-off values, a variant classified as benign is not then subjected to further curation. The score for this variant resulted in a classification of benign for this disease.

PreventionGenetics, part of Exact Sciences
Classification: Likely benign for SYNE2-related condition. Last evaluated: 2024-04-25. Review status: no assertion criteria provided. Collection method: clinical testing. Allele origin: germline. Not counted in ClinVar's aggregate classification.
Comment: This variant is classified as likely benign based on ACMG/AMP sequence variant interpretation guidelines (Richards et al. 2015 PMID: 25741868, with internal and published modifications).

NM_182914.3(SYNE2):c.20423C>T (p.Ser6808Leu)

Gene: SYNE2 (spectrin repeat containing nuclear envelope protein 2; plus strand). Cytogenetic location: 14q23.2.
Variant type: single nucleotide variant.
Coding change: c.20423C>T on transcript NM_182914.3 (MANE Select); coding-DNA position 20423, C replaced by T.
Protein change: p.Ser6808Leu; replaces serine 6808 with leucine.
Molecular consequence: missense variant.
Genome position (GRCh38, 1-based): chr14:64,224,501, C>T. VCF-style: chr14-64224501-C-T. GRCh37 (hg19) VCF-style: chr14-64691219-C-T.
Other names: c.20354C>T, p.Ser6785Leu (NM_015180.6); c.989C>T, p.Ser330Leu (NM_182910.2); c.1367C>T, p.Ser456Leu (NM_182913.4); short protein forms S6808L, S330L, S456L, S6785L.
Identifiers: ClinVar variation 313663 (VCV000313663.16), dbSNP rs372922867, ClinGen allele CA7224861.